The following is an entry in ClinVar:

NM_006231.4(POLE):c.977C>G (p.Pro326Arg)

Gene: POLE (DNA polymerase epsilon, catalytic subunit; minus strand). Cytogenetic location: 12q24.33.
Variant type: single nucleotide variant.
Coding change: c.977C>G on transcript NM_006231.4 (MANE Select); coding-DNA position 977, C replaced by G.
Protein change: p.Pro326Arg; replaces proline 326 with arginine.
Molecular consequence: missense variant.
Genome position (GRCh38, 1-based): chr12:132,676,137, G>C on the plus strand (C>G on the coding strand, the complement: POLE is on the minus strand). VCF-style: chr12-132676137-G-C. GRCh37 (hg19) VCF-style: chr12-133252723-G-C.
Other names: short protein forms P326R.
Identifiers: ClinVar variation 5027128 (VCV005027128.1).

ClinVar aggregate classification (germline): Uncertain significance (1 of 4 stars; one submission).

Conditions:
Hereditary cancer-predisposing syndrome. Also called: Neoplastic Syndromes, Hereditary; Tumor predisposition; Hereditary neoplastic syndrome; Hereditary Cancer Syndrome. Identifiers: Orphanet 140162, MedGen C0027672, MeSH D009386, MONDO:0015356.

gnomAD v4.1: 1 of 1,612,964 alleles (0.000062%); highest among the groups gnomAD compares: Admixed American, 0.0017%; no homozygotes.

Submission:

Ambry Genetics
Classification: Uncertain significance for Hereditary cancer-predisposing syndrome. Last evaluated: 2026-08-27. Review status: criteria provided, single submitter. Criteria: Ambry Variant Classification Scheme 2023. Collection method: clinical testing. Allele origin: germline.
Comment: The p.P326R variant (also known as c.977C>G), located in coding exon 10 of the POLE gene, results from a C to G substitution at nucleotide position 977. The proline at codon 326 is replaced by arginine, an amino acid with dissimilar properties. This amino acid position is conserved. In addition, the in silico prediction for this alteration is inconclusive. Based on the available evidence, the clinical significance of this variant remains unclear.